The following is an entry in ClinVar:

ClinVar aggregate classification (germline): Benign. Review status: criteria provided, multiple submitters, no conflicts (2 of 4 stars). 10 submissions from 10 submitters: Benign (9). 1 of the submissions does not count toward it. Last evaluated 2026-02-03.

Conditions:
Inborn genetic diseases. Identifiers: MedGen C0950123, MeSH D030342.
Pitt-Hopkins-like syndrome 2 (PTHSL2). Identifiers: Orphanet 221150, Orphanet 600663, MedGen C3280479, MONDO:0013690, OMIM 614325.

Allele frequency attached by ClinVar (database versions not stated): gnomAD exomes 0.11341; ExAC 0.13058; ESP Exome Variant Server 0.17402; gnomAD 0.17452; TOPMed 0.19173; 1000 Genomes Project 0.21306; 1000 Genomes Project 30x 0.22033.
gnomAD v4.1: 157,640 of 1,611,952 alleles (9.8%); highest among the groups gnomAD compares: African/African-American, 43%; 13,137 homozygotes.

Submissions (10):

Labcorp Genetics (formerly Invitae), Labcorp
Classification: Benign for Pitt-Hopkins-like syndrome 2. Last evaluated: 2026-02-03. Review status: criteria provided, single submitter. Criteria: Invitae Variant Classification Sherloc (09022015). Collection method: clinical testing. Allele origin: germline.

Blueprint Genetics
Classification: Benign. Last evaluated: 2024-11-26. Review status: criteria provided, single submitter. Criteria: ACMG Guidelines, 2015. Collection method: clinical testing. Allele origin: germline.

Mayo Clinic Laboratories, Mayo Clinic
Classification: Benign. Last evaluated: 2018-04-10. Review status: criteria provided, single submitter. Criteria: ACMG Guidelines, 2015. Collection method: clinical testing. Allele origin: germline. Observed: 157 variant alleles.

Illumina Laboratory Services, Illumina
Classification: Benign for Pitt-Hopkins-like syndrome 2. Last evaluated: 2018-01-13. Review status: criteria provided, single submitter. Criteria: ICSL Variant Classification Criteria 13 December 2019. Collection method: clinical testing. Allele origin: germline.
Comment: This variant was observed in the ICSL laboratory as part of a predisposition screen in an ostensibly healthy population. It had not been previously curated by ICSL or reported in the Human Gene Mutation Database (HGMD: prior to June 1st, 2018), and was therefore a candidate for classification through an automated scoring system. Utilizing variant allele frequency, disease prevalence and penetrance estimates, and inheritance mode, an automated score was calculated to assess if this variant is too frequent to cause the disease. Based on the score and internal cut-off values, a variant classified as benign is not then subjected to further curation. The score for this variant resulted in a classification of benign for this disease.

Ambry Genetics
Classification: Benign for Inborn genetic diseases. Last evaluated: 2016-01-08. Review status: criteria provided, single submitter. Criteria: Ambry Variant Classification Scheme 2023. Collection method: clinical testing. Allele origin: germline.

Eurofins Ntd Llc (ga)
Classification: Benign. Last evaluated: 2015-03-03. Review status: criteria provided, single submitter. Criteria: EGL Classification Definitions 2015. Collection method: clinical testing. Allele origin: germline. Observed: 9 variant alleles, 7 heterozygotes, 1 homozygote, 1 hemizygote.

GeneDx
Classification: Benign. Last evaluated: 2015-03-03. Review status: criteria provided, single submitter. Criteria: GeneDx Variant Classification Process June 2021. Collection method: clinical testing. Allele origin: germline. Affected: yes.

Breakthrough Genomics
Classification: Benign. Review status: criteria provided, single submitter. Criteria: ACMG Guidelines, 2015. Collection method: not provided. Allele origin: germline. Inheritance: Autosomal recessive inheritance. Affected: yes.

PreventionGenetics, part of Exact Sciences
Classification: Benign. Review status: criteria provided, single submitter. Criteria: ACMG Guidelines, 2015. Collection method: clinical testing. Allele origin: germline.

Genetic Services Laboratory, University of Chicago
Classification: Likely benign for AllHighlyPenetrant. Review status: no assertion criteria provided. Collection method: clinical testing. Allele origin: germline. Inheritance: Autosomal recessive inheritance. Not counted in ClinVar's aggregate classification.
Comment: Likely benign based on allele frequency in 1000 Genomes Project or ESP global frequency and its presence in a patient with a rare or unrelated disease phenotype. NOT Sanger confirmed.

NM_001330078.2(NRXN1):c.511C>T (p.Leu171=)

Gene: NRXN1 (neurexin 1; minus strand). Cytogenetic location: 2p16.3.
Variant type: single nucleotide variant.
Coding change: c.511C>T on transcript NM_001330078.2 (MANE Select); coding-DNA position 511, C replaced by T.
Protein change: p.Leu171=; no amino-acid change (leucine 171 retained).
Molecular consequence: synonymous variant.
Genome position (GRCh38, 1-based): chr2:51,027,763, G>A on the plus strand (C>T on the coding strand, the complement: NRXN1 is on the minus strand). VCF-style: chr2-51027763-G-A. GRCh37 (hg19) VCF-style: chr2-51254901-G-A.
Other names: p.Leu171=; c.511C>T (NM_001135659.2); c.511C>T, p.Leu171= (NM_001135659.3, NM_001330077.2, NM_001330079.2 and 15 more transcripts).
Identifiers: ClinVar variation 93603 (VCV000093603.30), dbSNP rs1045874, ClinGen allele CA147121.